The following is an entry in ClinVar:

ClinVar aggregate classification (germline): Benign/Likely benign. Review status: criteria provided, multiple submitters, no conflicts (2 of 4 stars). 8 submissions from 8 submitters: Benign (3); Likely benign (4). 1 of the submissions does not count toward it. Last evaluated 2025-03-04.

Conditions:
Hereditary cancer-predisposing syndrome. Also called: Hereditary Cancer Syndrome; Tumor predisposition; Neoplastic Syndromes, Hereditary; Hereditary neoplastic syndrome. Identifiers: Orphanet 140162, MedGen C0027672, MeSH D009386, MONDO:0015356.
Gorlin syndrome. Also called: Basal cell nevus syndrome; Nevoid Basal Cell Carcinoma Syndrome. Identifiers: Orphanet 377, MedGen C0004779, MONDO:0007187.
PTCH1-related disorder. Also called: PTCH1-related disorders; PTCH1-related condition.

Submissions (8):

Center for Genomic Medicine, Rigshospitalet, Copenhagen University Hospital
Classification: Benign. Last evaluated: 2025-03-04. Review status: criteria provided, single submitter. Criteria: ACMG Guidelines, 2015. Collection method: clinical testing. Allele origin: germline.

Blueprint Genetics
Classification: Likely benign. Last evaluated: 2024-10-11. Review status: criteria provided, single submitter. Criteria: ACMG Guidelines, 2015. Collection method: clinical testing. Allele origin: germline.

Women's Health and Genetics/Laboratory Corporation of America, LabCorp
Classification: Benign. Last evaluated: 2024-09-17. Review status: criteria provided, single submitter. Criteria: LabCorp Variant Classification Summary - May 2015. Collection method: clinical testing. Allele origin: germline.
Comment: Variant summary: PTCH1 c.-15_-4del12 is located in the untranslated mRNA region upstream of the initiation codon. The variant allele was found at a frequency of 0.00052 in 1163786 control chromosomes in the gnomAD database, including 6 homozygotes. The observed variant frequency is approximately 30.13 fold of the estimated maximal expected allele frequency for a pathogenic variant in PTCH1 causing Nevoid Basal Cell Carcinoma Syndrome (Gorlin Syndrome) phenotype (1.7e-05). To our knowledge, no occurrence of c.-15_-4del12 in individuals affected with Nevoid Basal Cell Carcinoma Syndrome (Gorlin Syndrome) and no experimental evidence demonstrating its impact on protein function have been reported. ClinVar contains an entry for this variant (Variation ID: 219940). Based on the evidence outlined above, the variant was classified as benign.

Ambry Genetics
Classification: Likely benign for Hereditary cancer-predisposing syndrome. Last evaluated: 2020-07-15. Review status: criteria provided, single submitter. Criteria: Ambry Variant Classification Scheme 2023. Collection method: clinical testing. Allele origin: germline.

GeneDx
Classification: Likely benign. Last evaluated: 2017-07-12. Review status: criteria provided, single submitter. Criteria: GeneDx Variant Classification (06012015). Collection method: clinical testing. Allele origin: germline. Affected: yes.
Comment: This variant is considered likely benign or benign based on one or more of the following criteria: it is a conservative change, it occurs at a poorly conserved position in the protein, it is predicted to be benign by multiple in silico algorithms, and/or has population frequency not consistent with disease.

Genetic Services Laboratory, University of Chicago
Classification: Likely benign. Last evaluated: 2015-12-29. Review status: criteria provided, single submitter. Criteria: ACMG Guidelines, 2015. Collection method: clinical testing. Allele origin: germline. Affected: no.

Labcorp Genetics (formerly Invitae), Labcorp
Classification: Benign for Gorlin syndrome. Last evaluated: 2015-08-25. Review status: criteria provided, single submitter. Criteria: Invitae Variant Classification Sherloc (09022015). Collection method: clinical testing. Allele origin: germline.

PreventionGenetics, part of Exact Sciences
Classification: Likely benign for PTCH1-related condition. Last evaluated: 2023-05-16. Review status: no assertion criteria provided. Collection method: clinical testing. Allele origin: germline. Not counted in ClinVar's aggregate classification.
Comment: This variant is classified as likely benign based on ACMG/AMP sequence variant interpretation guidelines (Richards et al. 2015 PMID: 25741868, with internal and published modifications).

NM_000264.5(PTCH1):c.-24GGC[3]

Genes: PTCH1 (patched 1; minus strand), LOC130002133 (ATAC-STARR-seq lymphoblastoid silent region 20071; plus strand). Cytogenetic location: 9q22.32.
Variant type: Microsatellite.
Coding change: c.-24GGC[3] on transcript NM_000264.5 (MANE Select); three copies in a row of the 3-base unit GGC starting at c.-24; the reference has seven copies in a row; four copies, 12 bases deleted.
Molecular consequence: 5 prime UTR variant. On other transcripts: non-coding transcript variant (1), intron variant (3).
Genome position (GRCh38, 1-based): chr9:95,508,365-95,508,376, GCCGCCGCCGCC deleted on the plus strand (GGCGGCGGCGGC on the coding strand, the reverse complement: PTCH1 is on the minus strand); deleting any 12 consecutive bases within chr9:95,508,365-95,508,387 gives the same sequence; the position shown is the placement nearest the transcript's 3' end. VCF-style (leftmost placement, unchanged base first): chr9-95508364-TGCCGCCGCCGCC-T. GRCh37 (hg19) VCF-style: chr9-98270646-TGCCGCCGCCGCC-T.
Other names: c.-24GGC[3] (NM_001354918.2); c.199-1786GGC[3] (NM_001083603.3); c.4-1786GGC[3] (NM_001083602.3, NM_001354919.2); c.4-1777_4-1766del12 (NM_001354919.1); c.-15_-4del12 (NM_000264.5); c.-15_-4delGGCGGCGGCGGC (NM_000264.5).
Identifiers: ClinVar variation 219940 (VCV000219940.15), dbSNP rs71366293, ClinGen allele CA349092.